The following is an entry in ClinVar:

NM_001040436.3(YARS2):c.1021G>A (p.Glu341Lys)

Gene: YARS2 (tyrosyl-tRNA synthetase 2; minus strand). Cytogenetic location: 12p11.21.
Variant type: single nucleotide variant.
Coding change: c.1021G>A on transcript NM_001040436.3 (MANE Select); coding-DNA position 1021, G replaced by A.
Protein change: p.Glu341Lys; replaces glutamic acid 341 with lysine.
Molecular consequence: missense variant.
Genome position (GRCh38, 1-based): chr12:32,750,801, C>T on the plus strand (G>A on the coding strand, the complement: YARS2 is on the minus strand). VCF-style: chr12-32750801-C-T. GRCh37 (hg19) VCF-style: chr12-32903735-C-T.
Other names: short protein forms E341K.
Identifiers: ClinVar variation 2279781 (VCV002279781.5), dbSNP rs768716886, ClinGen allele CA6508015.

ClinVar aggregate classification (germline): Uncertain significance. Review status: criteria provided, multiple submitters, no conflicts (2 of 4 stars). 2 submissions from 2 submitters: Uncertain significance (2). Last evaluated 2023-10-24.

Conditions:
Inborn genetic diseases. Identifiers: MedGen C0950123, MeSH D030342.

Allele frequency attached by ClinVar (database versions not stated): gnomAD exomes below 0.00001; ExAC 0.00001.

Submissions (2):

Labcorp Genetics (formerly Invitae), Labcorp
Classification: Uncertain significance. Last evaluated: 2023-10-24. Review status: criteria provided, single submitter. Criteria: Invitae Variant Classification Sherloc (09022015). Collection method: clinical testing. Allele origin: germline.
Comment: This sequence change replaces glutamic acid, which is acidic and polar, with lysine, which is basic and polar, at codon 341 of the YARS2 protein (p.Glu341Lys). This variant is present in population databases (rs768716886, gnomAD 0.003%). This variant has not been reported in the literature in individuals affected with YARS2-related conditions. ClinVar contains an entry for this variant (Variation ID: 2279781). Advanced modeling of protein sequence and biophysical properties (such as structural, functional, and spatial information, amino acid conservation, physicochemical variation, residue mobility, and thermodynamic stability) performed at Invitae indicates that this missense variant is not expected to disrupt YARS2 protein function with a negative predictive value of 80%. In summary, the available evidence is currently insufficient to determine the role of this variant in disease. Therefore, it has been classified as a Variant of Uncertain Significance.

Ambry Genetics
Classification: Uncertain significance for Inborn genetic diseases. Last evaluated: 2022-03-23. Review status: criteria provided, single submitter. Criteria: Ambry Variant Classification Scheme 2023. Collection method: clinical testing. Allele origin: germline.